The following is an entry in ClinVar:

Conditions:
Long QT syndrome 5 (LQT5). Identifiers: Orphanet 101016, Orphanet 768, MedGen C1867904, MONDO:0013372, OMIM 613695.

Submission:

Roden Lab, Vanderbilt University Medical Center
No classification provided (evidence only). Condition: Long QT syndrome 5. Review status: no classification provided. Collection method: in vitro. Allele origin: not applicable. Functional consequence: Effect on ion channel function.
ClinVar note: "not provided" was previously submitted as the classification for the variant. However, the classification appeared to be based only on an observation of functional data so it was converted to no classification on 2025-07-30.

NM_000219.6(KCNE1):c.12T>C (p.Ser4=)

Gene: KCNE1 (potassium voltage-gated channel subfamily E regulatory subunit 1; minus strand). Cytogenetic location: 21q22.12.
Variant type: single nucleotide variant.
Coding change: c.12T>C on transcript NM_000219.6 (MANE Select); coding-DNA position 12, T replaced by C.
Protein change: p.Ser4=; no amino-acid change (serine 4 retained).
Molecular consequence: synonymous variant.
Genome position (GRCh38, 1-based): chr21:34,449,623, A>G on the plus strand (T>C on the coding strand, the complement: KCNE1 is on the minus strand). VCF-style: chr21-34449623-A-G. GRCh37 (hg19) VCF-style: chr21-35821921-A-G.
Other names: c.12T>C, p.Ser4= (NM_001127668.4, NM_001127669.4, NM_001127670.4 and 4 more transcripts).
Identifiers: ClinVar variation 3374098 (VCV003374098.2).